The following is an entry in ClinVar:

ClinVar aggregate classification (germline): Uncertain significance. Review status: criteria provided, multiple submitters, no conflicts (2 of 4 stars). 2 submissions from 2 submitters: Uncertain significance (2). Last evaluated 2024-04-30.

Conditions:
Inborn genetic diseases. Identifiers: MedGen C0950123, MeSH D030342.
Charcot-Marie-Tooth disease axonal type 2P. Also called: CHARCOT-MARIE-TOOTH NEUROPATHY, TYPE 2P; Charcot-Marie-Tooth Neuropathy Type 2G; CHARCOT-MARIE-TOOTH DISEASE, AXONAL, TYPE 2G; CMT 2G. Identifiers: Orphanet 300319, Orphanet 99941, MedGen C3280797, MONDO:0013753, OMIM 614436.

Allele frequency attached by ClinVar (database versions not stated): TOPMed below 0.00001; gnomAD exomes 0.00001.

Submissions (2):

Labcorp Genetics (formerly Invitae), Labcorp
Classification: Uncertain significance for Charcot-Marie-Tooth disease axonal type 2P. Last evaluated: 2024-04-30. Review status: criteria provided, single submitter. Criteria: Invitae Variant Classification Sherloc (09022015). Collection method: clinical testing. Allele origin: germline.
Comment: This sequence change replaces arginine, which is basic and polar, with glutamine, which is neutral and polar, at codon 272 of the LRSAM1 protein (p.Arg272Gln). This variant is not present in population databases (gnomAD no frequency). This variant has not been reported in the literature in individuals affected with LRSAM1-related conditions. ClinVar contains an entry for this variant (Variation ID: 1762218). Advanced modeling of protein sequence and biophysical properties (such as structural, functional, and spatial information, amino acid conservation, physicochemical variation, residue mobility, and thermodynamic stability) performed at Invitae indicates that this missense variant is not expected to disrupt LRSAM1 protein function with a negative predictive value of 80%. In summary, the available evidence is currently insufficient to determine the role of this variant in disease. Therefore, it has been classified as a Variant of Uncertain Significance.

Ambry Genetics
Classification: Uncertain significance for Inborn genetic diseases. Last evaluated: 2020-10-21. Review status: criteria provided, single submitter. Criteria: Ambry Variant Classification Scheme 2023. Collection method: clinical testing. Allele origin: germline.
Comment: The p.R272Q variant (also known as c.815G>A), located in coding exon 11 of the LRSAM1 gene, results from a G to A substitution at nucleotide position 815. The arginine at codon 272 is replaced by glutamine, an amino acid with highly similar properties. This amino acid position is highly conserved in available vertebrate species. In addition, the in silico prediction for this alteration is inconclusive. Since supporting evidence is limited at this time, the clinical significance of this alteration remains unclear.

NM_001005373.4(LRSAM1):c.815G>A (p.Arg272Gln)

Gene: LRSAM1 (leucine rich repeat and sterile alpha motif containing 1; plus strand). Cytogenetic location: 9q33.3.
Variant type: single nucleotide variant.
Coding change: c.815G>A on transcript NM_001005373.4 (MANE Select); coding-DNA position 815, G replaced by A.
Protein change: p.Arg272Gln; replaces arginine 272 with glutamine.
Molecular consequence: missense variant. On other transcripts: non-coding transcript variant (2).
Genome position (GRCh38, 1-based): chr9:127,479,417, G>A. VCF-style: chr9-127479417-G-A. GRCh37 (hg19) VCF-style: chr9-130241696-G-A.
Other names: c.815G>A, p.Arg272Gln (NM_001005374.4, NM_001190723.3, NM_001384142.1 and 2 more transcripts); c.26G>A, p.Arg9Gln (NM_001384144.1); short protein forms R272Q, R9Q.
Identifiers: ClinVar variation 1762218 (VCV001762218.5), dbSNP rs1457199849, ClinGen allele CA374931148.
Genomic context (GRCh38, chr9:127,479,417, plus strand): 5'-CAGTCACCAGGATCTGTGTCTTGCAGGAACAGAAGATGCTGGAGAAACTCGAGTTTGAAC[G>A]GCGCCTGGAACTGGGGCAGCGGGAGCACACCCAGCTCCTTCAGCAGAGCAGCAGCCAGAA-3'
Protein context (NP_001005373.1, residues 262-282): QKMLEKLEFE[Arg272Gln]RLELGQREHT